The following is an entry in ClinVar:

ClinVar aggregate classification (germline): Likely benign (0 of 4 stars; one submission).

Conditions:
DSCAM-related disorder. Also called: DSCAM-related condition.

Allele frequency attached by ClinVar (database versions not stated): gnomAD exomes below 0.00001; ExAC 0.00001; ESP Exome Variant Server 0.00008; gnomAD 0.00008; TOPMed 0.00008.
gnomAD v4.1: 21 of 1,590,548 alleles (0.0013%); highest among the groups gnomAD compares: African/African-American, 0.024%; no homozygotes.

Submission:

PreventionGenetics, part of Exact Sciences
Classification: Likely benign for DSCAM-related condition. Last evaluated: 2022-02-11. Review status: no assertion criteria provided. Collection method: clinical testing. Allele origin: germline.
Comment: This variant is classified as likely benign based on ACMG/AMP sequence variant interpretation guidelines (Richards et al. 2015 PMID: 25741868, with internal and published modifications).

NM_001389.5(DSCAM):c.2187T>C (p.Ala729=)

Gene: DSCAM (DS cell adhesion molecule; minus strand). Cytogenetic location: 21q22.2.
Variant type: single nucleotide variant.
Coding change: c.2187T>C on transcript NM_001389.5 (MANE Select); coding-DNA position 2187, T replaced by C.
Protein change: p.Ala729=; no amino-acid change (alanine 729 retained).
Molecular consequence: synonymous variant. On other transcripts: non-coding transcript variant (1).
Genome position (GRCh38, 1-based): chr21:40,276,266, A>G on the plus strand (T>C on the coding strand, the complement: DSCAM is on the minus strand). VCF-style: chr21-40276266-A-G. GRCh37 (hg19) VCF-style: chr21-41648193-A-G.
Other names: c.2187T>C, p.Ala729= (NM_001271534.3, NM_206887.1).
Identifiers: ClinVar variation 3048930 (VCV003048930.2), dbSNP rs369004935, ClinGen allele CA10031319.
Genomic context (GRCh38, chr21:40,276,266, plus strand): 5'-CCCATTGCTGAGAACTTGGATTCGGCCATTTAGGGCAATTGGCTGGAACTGGGGAACCCC[A>G]GCACCTGAGACAGAAAAAGAAAGACGAGCAATGATGCAAACGAGAGTAAGTATGGGAAGA-3'
Protein context (NP_001380.2, residues 719-739): PTIVWKFSKG[Ala729=]GVPQFQPIAL